The following is an entry in ClinVar:

ClinVar aggregate classification (germline): Uncertain significance (1 of 4 stars; one submission).

Conditions:
Capillary malformation-arteriovenous malformation syndrome. Also called: Capillary malformation-arteriovenous malformation. Identifiers: Orphanet 137667, MedGen C1842180, MONDO:0012016.

Submission:

Labcorp Genetics (formerly Invitae), Labcorp
Classification: Uncertain significance for Capillary malformation-arteriovenous malformation syndrome. Last evaluated: 2021-03-09. Review status: criteria provided, single submitter. Criteria: Invitae Variant Classification Sherloc (09022015). Collection method: clinical testing. Allele origin: germline.
Comment: This sequence change replaces arginine with glycine at codon 894 of the RASA1 protein (p.Arg894Gly). The arginine residue is highly conserved and there is a moderate physicochemical difference between arginine and glycine. This variant is not present in population databases (ExAC no frequency). This variant has not been reported in the literature in individuals with RASA1-related conditions. Algorithms developed to predict the effect of missense changes on protein structure and function are either unavailable or do not agree on the potential impact of this missense change (SIFT: "Tolerated"; PolyPhen-2: "Probably Damaging"; Align-GVGD: "Class C0"). In summary, the available evidence is currently insufficient to determine the role of this variant in disease. Therefore, it has been classified as a Variant of Uncertain Significance.

NM_002890.3(RASA1):c.2680A>G (p.Arg894Gly)

Genes: CCNH (cyclin H; minus strand), RASA1 (RAS p21 protein activator 1; plus strand). Cytogenetic location: 5q14.3.
Variant type: single nucleotide variant.
Coding change: c.2680A>G on transcript NM_002890.3 (MANE Select); coding-DNA position 2680, A replaced by G.
Protein change: p.Arg894Gly; replaces arginine 894 with glycine.
Molecular consequence: missense variant. On other transcripts: intron variant (1).
Genome position (GRCh38, 1-based): chr5:87,380,585, A>G. VCF-style: chr5-87380585-A-G. GRCh37 (hg19) VCF-style: chr5-86676402-A-G.
Other names: c.2149A>G, p.Arg717Gly (NM_022650.3); c.933+14459T>C (NM_001364075.2); short protein forms R894G, R717G.
Identifiers: ClinVar variation 1402648 (VCV001402648.8), dbSNP rs2112500864, ClinGen allele CA360385052.